The following is an entry in ClinVar:

NM_014704.4(CEP104):c.906T>A (p.Phe302Leu)

Gene: CEP104 (centrosomal protein 104; minus strand). Cytogenetic location: 1p36.32.
Variant type: single nucleotide variant.
Coding change: c.906T>A on transcript NM_014704.4 (MANE Select); coding-DNA position 906, T replaced by A.
Protein change: p.Phe302Leu; replaces phenylalanine 302 with leucine.
Molecular consequence: missense variant.
Genome position (GRCh38, 1-based): chr1:3,837,505, A>T on the plus strand (T>A on the coding strand, the complement: CEP104 is on the minus strand). VCF-style: chr1-3837505-A-T. GRCh37 (hg19) VCF-style: chr1-3754069-A-T.
Other names: short protein forms F302L.
Identifiers: ClinVar variation 2105249 (VCV002105249.4), dbSNP rs529153686, ClinGen allele CA338042500.

ClinVar aggregate classification (germline): Uncertain significance (1 of 4 stars; one submission).

Conditions:
Joubert syndrome 25 (JBTS25). Identifiers: Orphanet 475, MedGen C4084842, MONDO:0014770, OMIM 616781.

Submission:

Labcorp Genetics (formerly Invitae), Labcorp
Classification: Uncertain significance for Joubert syndrome 25. Last evaluated: 2022-06-22. Review status: criteria provided, single submitter. Criteria: Invitae Variant Classification Sherloc (09022015). Collection method: clinical testing. Allele origin: germline.
Comment: In summary, the available evidence is currently insufficient to determine the role of this variant in disease. Therefore, it has been classified as a Variant of Uncertain Significance. Algorithms developed to predict the effect of missense changes on protein structure and function output the following: SIFT: "Tolerated"; PolyPhen-2: "Benign"; Align-GVGD: "Class C0". The leucine amino acid residue is found in multiple mammalian species, which suggests that this missense change does not adversely affect protein function. This variant has not been reported in the literature in individuals affected with CEP104-related conditions. This variant is not present in population databases (gnomAD no frequency). This sequence change replaces phenylalanine, which is neutral and non-polar, with leucine, which is neutral and non-polar, at codon 302 of the CEP104 protein (p.Phe302Leu).